The following is an entry in ClinVar:

NM_000264.5(PTCH1):c.4112T>C (p.Val1371Ala)

Gene: PTCH1 (patched 1; minus strand). Cytogenetic location: 9q22.32.
Variant type: single nucleotide variant.
Coding change: c.4112T>C on transcript NM_000264.5 (MANE Select); coding-DNA position 4112, T replaced by C.
Protein change: p.Val1371Ala; replaces valine 1371 with alanine.
Molecular consequence: missense variant. On other transcripts: non-coding transcript variant (1).
Genome position (GRCh38, 1-based): chr9:95,447,144, A>G on the plus strand (T>C on the coding strand, the complement: PTCH1 is on the minus strand). VCF-style: chr9-95447144-A-G. GRCh37 (hg19) VCF-style: chr9-98209426-A-G.
Other names: c.3914T>C, p.Val1305Ala (NM_001083602.3); c.4109T>C, p.Val1370Ala (NM_001083603.3); c.3659T>C, p.Val1220Ala (NM_001083604.3, NM_001083605.3, NM_001083606.3 and 1 more transcripts); c.3956T>C, p.Val1319Ala (NM_001354918.2); short protein forms V1371A, V1220A, V1319A, V1305A, V1370A.
Identifiers: ClinVar variation 2695397 (VCV002695397.3), dbSNP rs2136576181, ClinGen allele CA374110291.

ClinVar aggregate classification (germline): Uncertain significance (1 of 4 stars; one submission).

Conditions:
Gorlin syndrome. Also called: Nevoid Basal Cell Carcinoma Syndrome; Basal cell nevus syndrome. Identifiers: Orphanet 377, MedGen C0004779, MONDO:0007187.

Submission:

Labcorp Genetics (formerly Invitae), Labcorp
Classification: Uncertain significance for Gorlin syndrome. Last evaluated: 2023-11-13. Review status: criteria provided, single submitter. Criteria: Invitae Variant Classification Sherloc (09022015). Collection method: clinical testing. Allele origin: germline.
Comment: This sequence change replaces valine, which is neutral and non-polar, with alanine, which is neutral and non-polar, at codon 1371 of the PTCH1 protein (p.Val1371Ala). This variant is not present in population databases (gnomAD no frequency). This variant has not been reported in the literature in individuals affected with PTCH1-related conditions. Advanced modeling of protein sequence and biophysical properties (such as structural, functional, and spatial information, amino acid conservation, physicochemical variation, residue mobility, and thermodynamic stability) performed at Invitae indicates that this missense variant is not expected to disrupt PTCH1 protein function with a negative predictive value of 95%. In summary, the available evidence is currently insufficient to determine the role of this variant in disease. Therefore, it has been classified as a Variant of Uncertain Significance.